The following is an entry in ClinVar:

ClinVar aggregate classification (germline): Uncertain significance (1 of 4 stars; one submission).

Allele frequency attached by ClinVar (database versions not stated): gnomAD exomes below 0.00001; TOPMed below 0.00001.
gnomAD v4.1: 4 of 1,610,304 alleles (0.00025%); highest among the groups gnomAD compares: South Asian, 0.0011%; no homozygotes.

Submission:

Labcorp Genetics (formerly Invitae), Labcorp
Classification: Uncertain significance. Last evaluated: 2022-04-12. Review status: criteria provided, single submitter. Criteria: Invitae Variant Classification Sherloc (09022015). Collection method: clinical testing. Allele origin: germline.
Comment: This sequence change replaces threonine, which is neutral and polar, with isoleucine, which is neutral and non-polar, at codon 335 of the MTPAP protein (p.Thr335Ile). This variant is not present in population databases (gnomAD no frequency). This variant has not been reported in the literature in individuals affected with MTPAP-related conditions. Algorithms developed to predict the effect of missense changes on protein structure and function are either unavailable or do not agree on the potential impact of this missense change (SIFT: "Deleterious"; PolyPhen-2: "Benign"; Align-GVGD: "Class C0"). In summary, the available evidence is currently insufficient to determine the role of this variant in disease. Therefore, it has been classified as a Variant of Uncertain Significance.

NM_018109.4(MTPAP):c.1004C>T (p.Thr335Ile)

Gene: MTPAP (mitochondrial poly(A) polymerase; minus strand). Cytogenetic location: 10p11.23.
Variant type: single nucleotide variant.
Coding change: c.1004C>T on transcript NM_018109.4 (MANE Select); coding-DNA position 1004, C replaced by T.
Protein change: p.Thr335Ile; replaces threonine 335 with isoleucine.
Molecular consequence: missense variant.
Genome position (GRCh38, 1-based): chr10:30,322,606, G>A on the plus strand (C>T on the coding strand, the complement: MTPAP is on the minus strand). VCF-style: chr10-30322606-G-A. GRCh37 (hg19) VCF-style: chr10-30611535-G-A.
Other names: short protein forms T335I.
Identifiers: ClinVar variation 2125623 (VCV002125623.2), dbSNP rs1840738637, ClinGen allele CA376436674.